The following is an entry in ClinVar:

NM_001199397.3(NEK1):c.3809T>G (p.Ile1270Ser)

Gene: NEK1 (NIMA related kinase 1; minus strand). Cytogenetic location: 4q33.
Variant type: single nucleotide variant.
Coding change: c.3809T>G on transcript NM_001199397.3 (MANE Select); coding-DNA position 3809, T replaced by G.
Protein change: p.Ile1270Ser; replaces isoleucine 1270 with serine.
Molecular consequence: missense variant. On other transcripts: non-coding transcript variant (1).
Genome position (GRCh38, 1-based): chr4:169,400,263, A>C on the plus strand (T>G on the coding strand, the complement: NEK1 is on the minus strand). VCF-style: chr4-169400263-A-C. GRCh37 (hg19) VCF-style: chr4-170321414-A-C.
Other names: c.3677T>G, p.Ile1226Ser (NM_001199398.3); c.3518T>G, p.Ile1173Ser (NM_001199399.3); c.3593T>G, p.Ile1198Ser (NM_001199400.3); c.3809T>G, p.Ile1270Ser (NM_001374418.1); c.3725T>G, p.Ile1242Ser (NM_001374419.1, NM_012224.4); c.3674T>G, p.Ile1225Ser (NM_001374420.1); c.3326T>G, p.Ile1109Ser (NM_001374421.1); short protein forms I1109S, I1225S, I1270S, I1173S, I1226S, I1198S, I1242S.
Identifiers: ClinVar variation 902283 (VCV000902283.12), dbSNP rs778919560, ClinGen allele CA3137086.

ClinVar aggregate classification (germline): Uncertain significance. Review status: criteria provided, multiple submitters, no conflicts (2 of 4 stars). 3 submissions from 3 submitters: Uncertain significance (3). Last evaluated 2025-10-03.

Conditions:
Inborn genetic diseases. Identifiers: MedGen C0950123, MeSH D030342.
Short-rib thoracic dysplasia 6 with or without polydactyly (SRTD6). Also called: Majewski Syndrome; POLYDACTYLY WITH NEONATAL CHONDRODYSTROPHY, TYPE II; SHORT RIB-POLYDACTYLY SYNDROME, TYPE IIA; SHORT-RIB THORACIC DYSPLASIA 6 WITH POLYDACTYLY; SHORT-RIB THORACIC DYSPLASIA 6 WITHOUT POLYDACTYLY. Identifiers: MedGen C0024507, MONDO:0009894, OMIM 263520.

Allele frequency attached by ClinVar (database versions not stated): gnomAD 0.00002; ExAC 0.00003; TOPMed 0.00003.
gnomAD v4.1: 32 of 1,576,002 alleles (0.002%); highest among the groups gnomAD compares: Non-Finnish European, 0.0026%; no homozygotes.

Submissions (3):

Labcorp Genetics (formerly Invitae), Labcorp
Classification: Uncertain significance for Short-rib thoracic dysplasia 6 with or without polydactyly. Last evaluated: 2025-10-03. Review status: criteria provided, single submitter. Criteria: Invitae Variant Classification Sherloc (09022015). Collection method: clinical testing. Allele origin: germline.
Comment: This sequence change replaces isoleucine, which is neutral and non-polar, with serine, which is neutral and polar, at codon 1242 of the NEK1 protein (p.Ile1242Ser). This variant is present in population databases (rs778919560, gnomAD 0.003%). This missense change has been observed in individual(s) with amyotrophic lateral sclerosis (PMID: 33445179). This variant is also known as c.3809T>G (p.Ile1270Ser). ClinVar contains an entry for this variant (Variation ID: 902283). Invitae Evidence Modeling of protein sequence and biophysical properties (such as structural, functional, and spatial information, amino acid conservation, physicochemical variation, residue mobility, and thermodynamic stability) has been performed for this missense variant. However, the output from this modeling did not meet the statistical confidence thresholds required to predict the impact of this variant on NEK1 protein function. In summary, the available evidence is currently insufficient to determine the role of this variant in disease. Therefore, it has been classified as a Variant of Uncertain Significance.

Ambry Genetics
Classification: Uncertain significance for Inborn genetic diseases. Last evaluated: 2025-08-27. Review status: criteria provided, single submitter. Criteria: Ambry Variant Classification Scheme 2023. Collection method: clinical testing. Allele origin: germline.

Illumina Laboratory Services, Illumina
Classification: Uncertain significance for Short-rib thoracic dysplasia 6 with or without polydactyly. Last evaluated: 2018-01-13. Review status: criteria provided, single submitter. Criteria: ICSL Variant Classification Criteria 13 December 2019. Collection method: clinical testing. Allele origin: germline.

Literature cited by the submitters: PubMed 33445179 (cited by Labcorp Genetics (formerly Invitae), Labcorp).